The following is an entry in ClinVar:

ClinVar aggregate classification (germline): Uncertain significance (1 of 4 stars; one submission).

Conditions:
Hepatic veno-occlusive disease-immunodeficiency syndrome. Also called: Hepatic Veno-Occlusive Disease with Immunodeficiency. Identifiers: Orphanet 79124, MedGen C1856128, MONDO:0009338, OMIM 235550. Disease mechanism: loss of function.

Submission:

Labcorp Genetics (formerly Invitae), Labcorp
Classification: Uncertain significance for Hepatic veno-occlusive disease-immunodeficiency syndrome. Last evaluated: 2023-01-31. Review status: criteria provided, single submitter. Criteria: Invitae Variant Classification Sherloc (09022015). Collection method: clinical testing. Allele origin: germline.
Comment: Algorithms developed to predict the effect of missense changes on protein structure and function (SIFT, PolyPhen-2, Align-GVGD) all suggest that this variant is likely to be tolerated. This sequence change replaces aspartic acid, which is acidic and polar, with glycine, which is neutral and non-polar, at codon 167 of the SP110 protein (p.Asp167Gly). This variant is not present in population databases (gnomAD no frequency). This variant has not been reported in the literature in individuals affected with SP110-related conditions. In summary, the available evidence is currently insufficient to determine the role of this variant in disease. Therefore, it has been classified as a Variant of Uncertain Significance.

NM_080424.4(SP110):c.500A>G (p.Asp167Gly)

Genes: SP110 (SP110 nuclear body protein; minus strand), SP140 (SP140 nuclear body protein; plus strand). Cytogenetic location: 2q37.1.
Variant type: single nucleotide variant.
Coding change: c.500A>G on transcript NM_080424.4 (MANE Select); coding-DNA position 500, A replaced by G.
Protein change: p.Asp167Gly; replaces aspartic acid 167 with glycine.
Molecular consequence: missense variant.
Genome position (GRCh38, 1-based): chr2:230,212,844, T>C on the plus strand (A>G on the coding strand, the complement: SP110 is on the minus strand). VCF-style: chr2-230212844-T-C. GRCh37 (hg19) VCF-style: chr2-231077559-T-C.
Other names: c.518A>G, p.Asp173Gly (NM_001185015.2, NM_001378442.1, NM_001378444.1 and 2 more transcripts); c.500A>G, p.Asp167Gly (NM_001378443.1, NM_001378447.1, NM_004509.5 and 1 more transcripts); short protein forms D167G, D173G.
Identifiers: ClinVar variation 3007630 (VCV003007630.2), dbSNP rs369596200, ClinGen allele CA350916407.